The following is an entry in ClinVar:

NM_000202.8(IDS):c.632del (p.Lys211fs)

Genes: IDS (iduronate 2-sulfatase; minus strand), LOC106050102 (IDS recombination region; plus strand). Cytogenetic location: Xq28.
Variant type: Deletion.
Coding change: c.632del on transcript NM_000202.8 (MANE Select); coding-DNA position 632, one base deleted (A; older notation c.632delA).
Protein change: p.Lys211fs; shifts the reading frame from lysine 211.
Molecular consequence: frameshift variant. On other transcripts: non-coding transcript variant (1).
Genome position (GRCh38, 1-based): chrX:149,498,183, T deleted on the plus strand (A on the coding strand, the reverse complement: IDS is on the minus strand); the first of 4 consecutive T bases (chrX:149,498,183-149,498,186); deleting any one gives the same sequence. VCF-style (leftmost placement, unchanged base first): chrX-149498182-CT-C. GRCh37 (hg19) VCF-style: chrX-148579713-CT-C.
Other names: c.362del, p.Lys121fs (NM_001166550.4); c.632del, p.Lys211fs (NM_006123.5); short protein forms K121fs, K211fs.
Identifiers: ClinVar variation 1752893 (VCV001752893.4), dbSNP rs2520863360, ClinGen allele CA2580101625.
Genomic context (GRCh38, chrX:149,498,182, plus strand): 5'-GGGGATGTGTGGCTTATGATACCCAACGGCCAGGAAGAAAGGACTGGCTGACGTTTTCAT[CT>C]TTTCCAACAACTGTATGGCTTGCTCAGTGCTCTGTTTGTCAGGCAAGGTGCCCTCGGGAA-3'

ClinVar aggregate classification (germline): Pathogenic. Review status: criteria provided, multiple submitters, no conflicts (2 of 4 stars). 2 submissions from 2 submitters: Pathogenic (2). Last evaluated 2024-06-07.

Conditions:
Inborn genetic diseases. Identifiers: MedGen C0950123, MeSH D030342.
Mucopolysaccharidosis, MPS-II (MPS2). Also called: Attenuated MPS (subtype; formerly known as mild MPS II); Severe MPS II; I2S deficiency; MPS 2; Hunter Syndrome; IDURONATE 2-SULFATASE DEFICIENCY. Identifiers: Orphanet 580, Orphanet 79388, MedGen C0026705, MONDO:0010674, OMIM 309900.

Submissions (2):

Laboratory of Diagnosis and Therapy of Lysosomal Disorders, University of Padova
Classification: Pathogenic for Mucopolysaccharidosis, MPS-II. Last evaluated: 2024-06-07. Review status: criteria provided, single submitter. Criteria: ACMG Guidelines, 2015. Collection method: literature only. Allele origin: germline. Affected: yes. Observed: 1 variant allele.
Comment: Null variant (PVS1_VeryStrong), Absent from controls (or at low frequency) in gnomAD database (PM2_Moderate), Patient’s phenotype or family history highly specific for the disease (PP4_Strong)

Classification method: ACMG Guidelines [PMID:25741868] with modifications

Ambry Genetics
Classification: Pathogenic for Inborn genetic diseases. Last evaluated: 2016-09-27. Review status: criteria provided, single submitter. Criteria: Ambry Variant Classification Scheme 2023. Collection method: clinical testing. Allele origin: germline.
Comment: The c.632delA pathogenic mutation, located in coding exon 5 of the IDS gene, results from a deletion of one nucleotide at nucleotide position 632, causing a translational frameshift with a predicted alternate stop codon (p.K211Rfs*2). This mutation, known as c.629delA in the literature, was identified in one individual suspected to have Hunter syndrome; however, specific clinical symptoms were not provided (Pollard LM et al. J. Inherit. Metab. Dis., 2013 Mar;36:179-87). This alteration is expected to result in loss of function by premature protein truncation or nonsense-mediated mRNA decay. As such, this alteration is interpreted as a disease-causing mutation.

Literature cited by the submitters: PubMed 22976768 (cited by Laboratory of Diagnosis and Therapy of Lysosomal Disorders, University of Padova and Ambry Genetics).